The following is an entry in ClinVar:

NM_012338.4(TSPAN12):c.540C>T (p.Ser180=)

Gene: TSPAN12 (tetraspanin 12; minus strand). Cytogenetic location: 7q31.31.
Variant type: single nucleotide variant.
Coding change: c.540C>T on transcript NM_012338.4 (MANE Select); coding-DNA position 540, C replaced by T.
Protein change: p.Ser180=; no amino-acid change (serine 180 retained).
Molecular consequence: synonymous variant.
Genome position (GRCh38, 1-based): chr7:120,806,621, G>A on the plus strand (C>T on the coding strand, the complement: TSPAN12 is on the minus strand). VCF-style: chr7-120806621-G-A. GRCh37 (hg19) VCF-style: chr7-120446675-G-A.
Other names: c.540C>T (NM_012338.3).
Identifiers: ClinVar variation 2414451 (VCV002414451.8), dbSNP rs759855646, ClinGen allele CA4453864.

ClinVar aggregate classification (germline): Likely benign. Review status: criteria provided, multiple submitters, no conflicts (2 of 4 stars). 2 submissions from 2 submitters: Likely benign (2). Last evaluated 2026-04-23.

Conditions:
TSPAN12-related disorder. Also called: TSPAN12-related condition.

Allele frequency attached by ClinVar (database versions not stated): ExAC 0.00001; gnomAD exomes 0.00001; TOPMed 0.00001.
gnomAD v4.1: 20 of 1,613,510 alleles (0.0012%); highest among the groups gnomAD compares: Non-Finnish European, 0.0017%; no homozygotes.

Submissions (2):

PreventionGenetics, part of Exact Sciences
Classification: Likely benign for TSPAN12-related condition. Last evaluated: 2026-04-23. Review status: criteria provided, single submitter. Criteria: ACMG Guidelines, 2015. Collection method: clinical testing. Allele origin: germline.
Comment: This variant is classified as likely benign based on ACMG/AMP sequence variant interpretation guidelines (Richards et al. 2015 PMID: 25741868, with internal and published modifications).

Labcorp Genetics (formerly Invitae), Labcorp
Classification: Likely benign. Last evaluated: 2024-09-28. Review status: criteria provided, single submitter. Criteria: Invitae Variant Classification Sherloc (09022015). Collection method: clinical testing. Allele origin: germline.